The following is an entry in ClinVar:

ClinVar aggregate classification (germline): Pathogenic (1 of 4 stars; one submission).

Submission:

Labcorp Genetics (formerly Invitae), Labcorp
Classification: Pathogenic. Last evaluated: 2023-04-03. Review status: criteria provided, single submitter. Criteria: Invitae Variant Classification Sherloc (09022015). Collection method: clinical testing. Allele origin: germline.
Comment: For these reasons, this variant has been classified as Pathogenic. This variant has not been reported in the literature in individuals affected with DLL3-related conditions. Information on the frequency of this variant in the gnomAD database is not available, as this variant may be reported differently in the database. This sequence change creates a premature translational stop signal (p.Tyr491*) in the DLL3 gene. It is expected to result in an absent or disrupted protein product. Loss-of-function variants in DLL3 are known to be pathogenic (PMID: 12746394).

Literature cited by the submitters: PubMed 12746394.

NM_203486.3(DLL3):c.1472_1473delinsGA (p.Tyr491Ter)

Gene: DLL3 (delta like canonical Notch ligand 3; plus strand). Cytogenetic location: 19q13.2.
Variant type: Indel.
Coding change: c.1472_1473delinsGA on transcript NM_203486.3 (MANE Select); coding-DNA positions 1472 to 1473, AC replaced by GA.
Protein change: p.Tyr491Ter; replaces tyrosine 491 with a stop codon.
Molecular consequence: nonsense.
Genome position (GRCh38, 1-based): chr19:39,507,417-39,507,418, AC replaced by GA. VCF-style: chr19-39507417-AC-GA. GRCh37 (hg19) VCF-style: chr19-39998057-AC-GA.
Other names: c.1472_1473delinsGA, p.Tyr491Ter (NM_016941.4); short protein forms Y491*.
Identifiers: ClinVar variation 2976430 (VCV002976430.3), dbSNP rs2514649574, ClinGen allele CA2740096912.